The following is an entry in ClinVar:

ClinVar aggregate classification (germline): Uncertain significance (1 of 4 stars; one submission).

Allele frequency attached by ClinVar (database versions not stated): ESP Exome Variant Server 0.00008.
gnomAD v4.1: 8 of 1,614,118 alleles (0.0005%); highest among the groups gnomAD compares: East Asian, 0.0022%; no homozygotes.

Submission:

Labcorp Genetics (formerly Invitae), Labcorp
Classification: Uncertain significance. Last evaluated: 2022-02-03. Review status: criteria provided, single submitter. Criteria: Invitae Variant Classification Sherloc (09022015). Collection method: clinical testing. Allele origin: germline.
Comment: This sequence change replaces alanine, which is neutral and non-polar, with threonine, which is neutral and polar, at codon 622 of the PTPN23 protein (p.Ala622Thr). This variant is present in population databases (rs370196275, gnomAD 0.007%). This variant has not been reported in the literature in individuals affected with PTPN23-related conditions. Algorithms developed to predict the effect of missense changes on protein structure and function are either unavailable or do not agree on the potential impact of this missense change (SIFT: "Deleterious"; PolyPhen-2: "Not Available"; Align-GVGD: "Class C0"). In summary, the available evidence is currently insufficient to determine the role of this variant in disease. Therefore, it has been classified as a Variant of Uncertain Significance.

NM_015466.4(PTPN23):c.1864G>A (p.Ala622Thr)

Gene: PTPN23 (protein tyrosine phosphatase non-receptor type 23; plus strand). Cytogenetic location: 3p21.31.
Variant type: single nucleotide variant.
Coding change: c.1864G>A on transcript NM_015466.4 (MANE Select); coding-DNA position 1864, G replaced by A.
Protein change: p.Ala622Thr; replaces alanine 622 with threonine.
Molecular consequence: missense variant.
Genome position (GRCh38, 1-based): chr3:47,409,483, G>A. VCF-style: chr3-47409483-G-A. GRCh37 (hg19) VCF-style: chr3-47450973-G-A.
Other names: c.1486G>A, p.Ala496Thr (NM_001304482.2); short protein forms A622T, A496T.
Identifiers: ClinVar variation 1402678 (VCV001402678.3), dbSNP rs370196275, ClinGen allele CA2365841.